The following is an entry in ClinVar:

NM_001035.3(RYR2):c.14090+3_14090+6dup

Gene: RYR2 (ryanodine receptor 2; plus strand). Cytogenetic location: 1q43.
Variant type: Duplication.
Coding change: c.14090+3_14090+6dup on transcript NM_001035.3 (MANE Select); bases 3 to 6 of the intron after coding-DNA position 14090, 4 bases duplicated (AAGT; older notation c.14090+3_14090+6dupAAGT).
Molecular consequence: splice donor variant.
Genome position (GRCh38, 1-based): chr1:237,798,173-237,798,176, AAGT duplicated; duplicating any 4 consecutive bases within chr1:237,798,171-237,798,176 gives the same sequence; the c. name uses the placement nearest the transcript's 3' end. VCF-style (leftmost placement, unchanged base first): chr1-237798170-T-TGTAA. GRCh37 (hg19) VCF-style: chr1-237961470-T-TGTAA.
Identifiers: ClinVar variation 2501098 (VCV002501098.2), dbSNP rs2528019131, ClinGen allele CA2574462255.
Genomic context (GRCh38, chr1:237,798,170, plus strand): 5'-TGGACTTCAGTGATGCCAGAGAAAAGAAGAAGCCAAAGAAAGACAGCTCCTTATCAGCTG[T>TGTAA]GTAAGTGTTACTTCGGCTCTATCCTACAGACTTAGATTGAAAGGGGAAAACATTAATACA-3'

ClinVar aggregate classification (germline): Uncertain significance. Review status: criteria provided, multiple submitters, no conflicts (2 of 4 stars). 2 submissions from 2 submitters: Uncertain significance (2). Last evaluated 2025-08-13.

Conditions:
Cardiovascular phenotype. Identifiers: MedGen CN230736.

Submissions (2):

Ambry Genetics
Classification: Uncertain significance for Cardiovascular phenotype. Last evaluated: 2025-08-13. Review status: criteria provided, single submitter. Criteria: Ambry Variant Classification Scheme 2023. Collection method: clinical testing. Allele origin: germline.
Comment: The c.14090+3_14090+6dupAAGT intronic variant begins 3 nucleotide(s) after coding exon 97 in the RYR2 gene. This variant results from a duplication of 4 nucleotides at positions c.14090+3 to c.14090+6. This nucleotide region is poorly conserved in available vertebrate species. In silico splice site analysis predicts that this alteration may result in the creation or strengthening of a novel splice donor site. Based on the available evidence, the clinical significance of this variant remains unclear.

Women's Health and Genetics/Laboratory Corporation of America, LabCorp
Classification: Uncertain significance. Last evaluated: 2023-03-27. Review status: criteria provided, single submitter. Criteria: LabCorp Variant Classification Summary - May 2015. Collection method: clinical testing. Allele origin: germline.
Comment: Variant summary: RYR2 c.14090+3_14090+6dupAAGT alters a nucleotide located close to a canonical splice site and therefore could affect mRNA splicing, leading to a significantly altered protein sequence. The variant was absent in 246070 control chromosomes. The available data on variant occurrences in the general population are insufficient to allow any conclusion about variant significance. To our knowledge, no occurrence of c.14090+3_14090+6dupAAGT in individuals affected with Catecholaminergic Polymorphic Ventricular Tachycardia and no experimental evidence demonstrating its impact on protein function have been reported. No clinical diagnostic laboratories have submitted clinical-significance assessments for this variant to ClinVar after 2014. Based on the evidence outlined above, the variant was classified as uncertain significance.